The following is an entry in ClinVar:

ClinVar aggregate classification (germline): Uncertain significance. Review status: criteria provided, multiple submitters, no conflicts (2 of 4 stars). 2 submissions from 2 submitters: Uncertain significance (2). Last evaluated 2025-08-11.

Conditions:
Paragangliomas with sensorineural hearing loss. Identifiers: MedGen C1868633.
Pheochromocytoma. Also called: MAX-Related Hereditary Paraganglioma-Pheochromocytoma Syndrome. Identifiers: Orphanet 29072, MedGen C0031511, MONDO:0008233, OMIM 171300, HP:0002666.
Cowden syndrome 3 (CWS3). Identifiers: Orphanet 201, MedGen CN166604, MONDO:0014045.
Carney-Stratakis syndrome. Also called: PARAGANGLIOMA AND GASTROINTESTINAL STROMAL TUMOR. Identifiers: Orphanet 97286, MedGen C1847319, MONDO:0011740, OMIM 606864.
Hereditary cancer-predisposing syndrome. Also called: Tumor predisposition; Hereditary neoplastic syndrome; Neoplastic Syndromes, Hereditary; Hereditary Cancer Syndrome. Identifiers: Orphanet 140162, MedGen C0027672, MeSH D009386, MONDO:0015356.

Allele frequency attached by ClinVar (database versions not stated): gnomAD exomes below 0.00001.

Submissions (2):

Labcorp Genetics (formerly Invitae), Labcorp
Classification: Uncertain significance for Carney-Stratakis syndrome; Paragangliomas with sensorineural hearing loss; Pheochromocytoma; Cowden syndrome 3. Last evaluated: 2025-08-11. Review status: criteria provided, single submitter. Criteria: Invitae Variant Classification Sherloc (09022015). Collection method: clinical testing. Allele origin: germline.
Comment: This sequence change replaces serine, which is neutral and polar, with glycine, which is neutral and non-polar, at codon 8 of the SDHD protein (p.Ser8Gly). This variant is not present in population databases (gnomAD no frequency). This variant has not been reported in the literature in individuals affected with SDHD-related conditions. ClinVar contains an entry for this variant (Variation ID: 857872). Invitae Evidence Modeling of protein sequence and biophysical properties (such as structural, functional, and spatial information, amino acid conservation, physicochemical variation, residue mobility, and thermodynamic stability) indicates that this missense variant is not expected to disrupt SDHD protein function with a negative predictive value of 95%. In summary, the available evidence is currently insufficient to determine the role of this variant in disease. Therefore, it has been classified as a Variant of Uncertain Significance.

Ambry Genetics
Classification: Uncertain significance for Hereditary cancer-predisposing syndrome. Last evaluated: 2024-03-11. Review status: criteria provided, single submitter. Criteria: Ambry Variant Classification Scheme 2023. Collection method: clinical testing. Allele origin: germline.
Comment: The p.S8G variant (also known as c.22A>G), located in coding exon 1 of the SDHD gene, results from an A to G substitution at nucleotide position 22. The serine at codon 8 is replaced by glycine, an amino acid with similar properties. This amino acid position is conserved. In addition, the in silico prediction for this alteration is inconclusive. Based on the available evidence, the clinical significance of this alteration remains unclear.

NM_003002.4(SDHD):c.22A>G (p.Ser8Gly)

Genes: SDHD (succinate dehydrogenase complex subunit D; plus strand), LOC126861339 (BRD4-independent group 4 enhancer GRCh37_chr11:111957035-111958234; plus strand). Cytogenetic location: 11q23.1.
Variant type: single nucleotide variant.
Coding change: c.22A>G on transcript NM_003002.4 (MANE Select); coding-DNA position 22, A replaced by G.
Protein change: p.Ser8Gly; replaces serine 8 with glycine.
Molecular consequence: missense variant. On other transcripts: non-coding transcript variant (1).
Genome position (GRCh38, 1-based): chr11:112,086,929, A>G. VCF-style: chr11-112086929-A-G. GRCh37 (hg19) VCF-style: chr11-111957653-A-G.
Other names: c.22A>G, p.Ser8Gly (NM_001276503.2, NM_001276504.2, NM_001276506.2); c.22A>G (NM_003002.2); short protein forms S8G.
Identifiers: ClinVar variation 857872 (VCV000857872.12), dbSNP rs1865619629, ClinGen allele CA382616673.